The following is an entry in ClinVar:

ClinVar aggregate classification (germline): Uncertain significance. Review status: criteria provided, multiple submitters, no conflicts (2 of 4 stars). 2 submissions from 2 submitters: Uncertain significance (2). Last evaluated 2025-10-02.

Conditions:
Inborn genetic diseases. Identifiers: MedGen C0950123, MeSH D030342.

Submissions (2):

Ambry Genetics
Classification: Uncertain significance for Inborn genetic diseases. Last evaluated: 2025-10-02. Review status: criteria provided, single submitter. Criteria: Ambry Variant Classification Scheme 2023. Collection method: clinical testing. Allele origin: germline.

Labcorp Genetics (formerly Invitae), Labcorp
Classification: Uncertain significance. Last evaluated: 2024-02-24. Review status: criteria provided, single submitter. Criteria: Invitae Variant Classification Sherloc (09022015). Collection method: clinical testing. Allele origin: germline.
Comment: This sequence change replaces phenylalanine, which is neutral and non-polar, with leucine, which is neutral and non-polar, at codon 373 of the SEC24D protein (p.Phe373Leu). This variant is not present in population databases (gnomAD no frequency). This variant has not been reported in the literature in individuals affected with SEC24D-related conditions. ClinVar contains an entry for this variant (Variation ID: 1404800). An algorithm developed to predict the effect of missense changes on protein structure and function (PolyPhen-2) suggests that this variant is likely to be disruptive. In summary, the available evidence is currently insufficient to determine the role of this variant in disease. Therefore, it has been classified as a Variant of Uncertain Significance.

NM_014822.4(SEC24D):c.1117T>C (p.Phe373Leu)

Gene: SEC24D (SEC24 homolog D, COPII component; minus strand). Cytogenetic location: 4q26.
Variant type: single nucleotide variant.
Coding change: c.1117T>C on transcript NM_014822.4 (MANE Select); coding-DNA position 1117, T replaced by C.
Protein change: p.Phe373Leu; replaces phenylalanine 373 with leucine.
Molecular consequence: missense variant.
Genome position (GRCh38, 1-based): chr4:118,768,236, A>G on the plus strand (T>C on the coding strand, the complement: SEC24D is on the minus strand). VCF-style: chr4-118768236-A-G. GRCh37 (hg19) VCF-style: chr4-119689391-A-G.
Other names: c.1117T>C (NM_014822.2); c.1120T>C, p.Phe374Leu (NM_001318066.2); short protein forms F373L, F374L.
Identifiers: ClinVar variation 1404800 (VCV001404800.7), dbSNP rs2110473193, ClinGen allele CA358012830.